The following is an entry in ClinVar:

NM_020338.4(ZMIZ1):c.473A>G (p.Asn158Ser)

Gene: ZMIZ1 (zinc finger MIZ-type containing 1; plus strand). Cytogenetic location: 10q22.3.
Variant type: single nucleotide variant.
Coding change: c.473A>G on transcript NM_020338.4 (MANE Select); coding-DNA position 473, A replaced by G.
Protein change: p.Asn158Ser; replaces asparagine 158 with serine.
Molecular consequence: missense variant.
Genome position (GRCh38, 1-based): chr10:79,289,822, A>G. VCF-style: chr10-79289822-A-G. GRCh37 (hg19) VCF-style: chr10-81049579-A-G.
Other names: short protein forms N158S.
Identifiers: ClinVar variation 2852706 (VCV002852706.3), dbSNP rs1293233666, ClinGen allele CA377330699.
Genomic context (GRCh38, chr10:79,289,822, plus strand): 5'-TCTCCCTCTGCAGTGATGGGTCGTTCCCCTATGACTCTGTCCCTTGGCAGCAGAACACCA[A>G]CCAGCCTCCCGGCTCCCTTTCCGTGGTCACCACGGTTTGGGGAGTAACCAACACATCCCA-3'
Protein context (NP_065071.1, residues 148-168): YDSVPWQQNT[Asn158Ser]QPPGSLSVVT

ClinVar aggregate classification (germline): Uncertain significance (1 of 4 stars; one submission).

Allele frequency attached by ClinVar (database versions not stated): gnomAD exomes below 0.00001.
gnomAD v4.1: 4 of 1,614,074 alleles (0.00025%); highest among the groups gnomAD compares: Non-Finnish European, 0.00034%; no homozygotes.

Submission:

Labcorp Genetics (formerly Invitae), Labcorp
Classification: Uncertain significance. Last evaluated: 2024-05-29. Review status: criteria provided, single submitter. Criteria: Invitae Variant Classification Sherloc (09022015). Collection method: clinical testing. Allele origin: germline.
Comment: This sequence change replaces asparagine, which is neutral and polar, with serine, which is neutral and polar, at codon 158 of the ZMIZ1 protein (p.Asn158Ser). This variant is present in population databases (no rsID available, gnomAD 0.0009%). This variant has not been reported in the literature in individuals affected with ZMIZ1-related conditions. Advanced modeling of protein sequence and biophysical properties (such as structural, functional, and spatial information, amino acid conservation, physicochemical variation, residue mobility, and thermodynamic stability) performed at Invitae indicates that this missense variant is not expected to disrupt ZMIZ1 protein function with a negative predictive value of 80%. In summary, the available evidence is currently insufficient to determine the role of this variant in disease. Therefore, it has been classified as a Variant of Uncertain Significance.